The following is an entry in ClinVar:

ClinVar aggregate classification (germline): Conflicting classifications of pathogenicity. Review status: criteria provided, conflicting classifications (1 of 4 stars). 6 submissions from 6 submitters: Uncertain significance (2); Benign (1); Likely benign (2). 1 of the submissions does not count toward it. Last evaluated 2026-07-01.

Conditions:
RTTN-related disorder. Also called: RTTN-related condition.

Allele frequency attached by ClinVar (database versions not stated): 1000 Genomes Project 0.00120; 1000 Genomes Project 30x 0.00172; ExAC 0.00176; gnomAD exomes 0.00191; gnomAD 0.00211 and 0.00217; TOPMed 0.00227; ESP Exome Variant Server 0.00344.
gnomAD v4.1: 5,651 of 1,613,544 alleles (0.35%); highest among the groups gnomAD compares: Non-Finnish European, 0.45%; 15 homozygotes.

Submissions (6):

CeGaT Center for Human Genetics Tuebingen
Classification: Likely benign. Last evaluated: 2026-07-01. Review status: criteria provided, single submitter. Criteria: CeGaT Center For Human Genetics Tuebingen Variant Classification Criteria Version 2. Collection method: clinical testing. Allele origin: germline. Affected: yes. Observed: 28 variant alleles.
Comment: RTTN: BP4, BS2

Labcorp Genetics (formerly Invitae), Labcorp
Classification: Benign. Last evaluated: 2026-01-23. Review status: criteria provided, single submitter. Criteria: Invitae Variant Classification Sherloc (09022015). Collection method: clinical testing. Allele origin: germline.

Blueprint Genetics
Classification: Likely benign. Last evaluated: 2024-11-28. Review status: criteria provided, single submitter. Criteria: ACMG Guidelines, 2015. Collection method: clinical testing. Allele origin: germline.

Genetic Services Laboratory, University of Chicago
Classification: Uncertain significance. Last evaluated: 2019-07-10. Review status: criteria provided, single submitter. Criteria: ACMG Guidelines, 2015. Collection method: clinical testing. Allele origin: germline. Affected: no.

GeneDx
Classification: Uncertain significance. Last evaluated: 2016-10-17. Review status: criteria provided, single submitter. Criteria: GeneDx Variant Classification (06012015). Collection method: clinical testing. Allele origin: germline. Affected: yes.
Comment: A variant of uncertain significance has been identified in the RTTN gene. The C1113Y variant has not been published as a pathogenic variant, nor has it been reported as a benign variant to our knowledge. The C1113Y variant is observed in 189/66,554 (0.3%) alleles from individuals of European background (Lek et al., 2016; 1000 Genomes Consortium et al., 2015; Exome Variant Server). The C1113Y variant is a non-conservative amino acid substitution, which is likely to impact secondary protein structure as these residues differ in polarity, charge, size and/or other properties. In silico analysis predicts this variant is probably damaging to the protein structure/function. However, this substitution occurs at a position that is not conserved. Therefore, based on the currently available information, it is unclear whether this variant is a pathogenic variant or a rare benign variant.

PreventionGenetics, part of Exact Sciences
Classification: Likely benign for RTTN-related condition. Last evaluated: 2022-08-25. Review status: no assertion criteria provided. Collection method: clinical testing. Allele origin: germline. Not counted in ClinVar's aggregate classification.
Comment: This variant is classified as likely benign based on ACMG/AMP sequence variant interpretation guidelines (Richards et al. 2015 PMID: 25741868, with internal and published modifications).

NM_173630.4(RTTN):c.3338G>A (p.Cys1113Tyr)

Gene: RTTN (rotatin; minus strand). Cytogenetic location: 18q22.2.
Variant type: single nucleotide variant.
Coding change: c.3338G>A on transcript NM_173630.4 (MANE Select); coding-DNA position 3338, G replaced by A.
Protein change: p.Cys1113Tyr; replaces cysteine 1113 with tyrosine.
Molecular consequence: missense variant.
Genome position (GRCh38, 1-based): chr18:70,127,547, C>T on the plus strand (G>A on the coding strand, the complement: RTTN is on the minus strand). VCF-style: chr18-70127547-C-T. GRCh37 (hg19) VCF-style: chr18-67794783-C-T.
Other names: c.602G>A, p.Cys201Tyr (NM_001318520.2); short protein forms C1113Y, C201Y.
Identifiers: ClinVar variation 372919 (VCV000372919.54), dbSNP rs117774280, ClinGen allele CA8995619.
Genomic context (GRCh38, chr18:70,127,547, plus strand): 5'-TGACCTTACACTGACCTGTTTAGTGCGGTGTGCCAAGCCAAGGACTTCAAGGTAACCCCA[C>T]ATGGACCAGGGCAACCCTTTAAAGACAATCTGTCATTCAGAAGATAAAAACTCATCCTGG-3'
Protein context (NP_775901.3, residues 1103-1123): RLSLKGCPGP[Cys1113Tyr]GVTLKSLAWH